The following is an entry in ClinVar:

ClinVar aggregate classification (germline): Likely benign. Review status: criteria provided, multiple submitters, no conflicts (2 of 4 stars). 5 submissions from 5 submitters: Likely benign (5). Last evaluated 2025-12-22.

Conditions:
Autosomal recessive inherited pseudoxanthoma elasticum (PXE). Identifiers: Orphanet 758, MedGen CN032334, MONDO:0009925, OMIM 264800.
Pseudoxanthoma elasticum, forme fruste. Also called: Pseudoxanthoma Elasticum, Incomplete; PSEUDOXANTHOMA ELASTICUM, HETEROZYGOUS. Identifiers: Orphanet 758, MedGen C1867450, MONDO:0008333, OMIM 177850.
Arterial calcification, generalized, of infancy, 2. Identifiers: Orphanet 51608, MedGen C3276161, MONDO:0013768, OMIM 614473.
ABCC6-related disorder. Also called: ABCC6-related condition.

Allele frequency attached by ClinVar (database versions not stated): ExAC 0.00001; gnomAD exomes 0.00002; TOPMed 0.00010; gnomAD 0.00011; 1000 Genomes Project 30x 0.00016; 1000 Genomes Project 0.00020.
gnomAD v4.1: 40 of 1,613,846 alleles (0.0025%); highest among the groups gnomAD compares: African/African-American, 0.036%; no homozygotes.

Submissions (5):

Labcorp Genetics (formerly Invitae), Labcorp
Classification: Likely benign. Last evaluated: 2025-12-22. Review status: criteria provided, single submitter. Criteria: Invitae Variant Classification Sherloc (09022015). Collection method: clinical testing. Allele origin: germline.

PreventionGenetics, part of Exact Sciences
Classification: Likely benign for ABCC6-related condition. Last evaluated: 2025-06-24. Review status: criteria provided, single submitter. Criteria: ACMG Guidelines, 2015. Collection method: clinical testing. Allele origin: germline.
Comment: This variant is classified as likely benign based on ACMG/AMP sequence variant interpretation guidelines (Richards et al. 2015 PMID: 25741868, with internal and published modifications).

Blueprint Genetics
Classification: Likely benign. Last evaluated: 2024-08-30. Review status: criteria provided, single submitter. Criteria: ACMG Guidelines, 2015. Collection method: clinical testing. Allele origin: germline.

Fulgent Genetics
Classification: Likely benign for Pseudoxanthoma elasticum, forme fruste; Autosomal recessive inherited pseudoxanthoma elasticum; Arterial calcification, generalized, of infancy, 2. Last evaluated: 2022-02-25. Review status: criteria provided, single submitter. Criteria: ACMG Guidelines, 2015. Collection method: clinical testing. Allele origin: unknown.

CeGaT Center for Human Genetics Tuebingen
Classification: Likely benign. Last evaluated: 2018-11-01. Review status: criteria provided, single submitter. Criteria: CeGaT Center For Human Genetics Tuebingen Variant Classification Criteria Version 2. Collection method: clinical testing. Allele origin: germline. Affected: yes. Observed: 1 variant allele.

NM_001171.6(ABCC6):c.3795C>T (p.Ile1265=)

Gene: ABCC6 (ATP binding cassette subfamily C member 6; minus strand). Cytogenetic location: 16p13.11.
Variant type: single nucleotide variant.
Coding change: c.3795C>T on transcript NM_001171.6 (MANE Select); coding-DNA position 3795, C replaced by T.
Protein change: p.Ile1265=; no amino-acid change (isoleucine 1265 retained).
Molecular consequence: synonymous variant. On other transcripts: non-coding transcript variant (1).
Genome position (GRCh38, 1-based): chr16:16,157,750, G>A on the plus strand (C>T on the coding strand, the complement: ABCC6 is on the minus strand). VCF-style: chr16-16157750-G-A. GRCh37 (hg19) VCF-style: chr16-16251607-G-A.
Other names: c.3453C>T, p.Ile1151= (NM_001351800.1).
Identifiers: ClinVar variation 726255 (VCV000726255.52), dbSNP rs114175094, ClinGen allele CA7925416.